The following is an entry in ClinVar:

ClinVar aggregate classification (germline): Likely benign. Review status: criteria provided, multiple submitters, no conflicts (2 of 4 stars). 4 submissions from 4 submitters: Likely benign (4). Last evaluated 2025-07-10.

Conditions:
Malignant hyperthermia, susceptibility to, 1 (MHS1). Also called: Malignant hyperthermia suceptibility 1; RYR1-Related Malignant Hyperthermia Susceptibility; Anesthesia related hyperthermia; Malignant hyperpyrexia; Fulminating hyperpyrexia; Pharmacogenic myopathy. Identifiers: Orphanet 423, MedGen C2930980, MONDO:0007783, OMIM 145600.
RYR1-related disorder. Also called: RYR1-related disorders; RYR1-related condition. Identifiers: MedGen CN239331.

Allele frequency attached by ClinVar (database versions not stated): gnomAD exomes 0.00001 and 0.00006; TOPMed 0.00002; gnomAD 0.00003; ExAC 0.00006; 1000 Genomes Project 0.00040; 1000 Genomes Project 30x 0.00047.
gnomAD v4.1: 23 of 1,613,876 alleles (0.0014%); highest among the groups gnomAD compares: Admixed American, 0.035%; no homozygotes.

Submissions (4):

Labcorp Genetics (formerly Invitae), Labcorp
Classification: Likely benign for RYR1-related disorder. Last evaluated: 2025-07-10. Review status: criteria provided, single submitter. Criteria: Invitae Variant Classification Sherloc (09022015). Collection method: clinical testing. Allele origin: germline.

All of Us Research Program, National Institutes of Health
Classification: Likely benign for Malignant hyperthermia, susceptibility to, 1. Last evaluated: 2024-02-05. Review status: criteria provided, single submitter. Criteria: ACMG Guidelines, 2015. Collection method: clinical testing. Allele origin: germline. Inheritance: Autosomal dominant inheritance. Observed: 8 variant alleles, 8 heterozygotes.
Comment: This variant is located in the RYR1 protein. To our knowledge, functional studies have not been reported for this variant. This variant has not been reported in individuals affected with RYR1-related disorders in the literature. This variant has been identified in 16/248322 chromosomes in the general population by the Genome Aggregation Database (gnomAD). The available evidence is insufficient to determine the role of this variant in disease conclusively. Therefore, this variant is classified as a Variant of Uncertain Significance.

This study involves interpretation of variants in research participants for the purpose of population health screening. Participant phenotype was not available at the time of variant classification. Additional details can be found in publication PMID: 35346344, PMCID: PMC8962531

Color Diagnostics, LLC DBA Color Health
Classification: Likely benign for Malignant hyperthermia, susceptibility to, 1. Last evaluated: 2024-01-29. Review status: criteria provided, single submitter. Criteria: ACMG Guidelines, 2015. Collection method: clinical testing. Allele origin: germline.

Blueprint Genetics
Classification: Likely benign. Last evaluated: 2024-01-19. Review status: criteria provided, single submitter. Criteria: ACMG Guidelines, 2015. Collection method: clinical testing. Allele origin: germline.

NM_000540.3(RYR1):c.1419C>A (p.Arg473=)

Gene: RYR1 (ryanodine receptor 1; plus strand). Cytogenetic location: 19q13.2.
Variant type: single nucleotide variant.
Coding change: c.1419C>A on transcript NM_000540.3 (MANE Select); coding-DNA position 1419, C replaced by A.
Protein change: p.Arg473=; no amino-acid change (arginine 473 retained).
Molecular consequence: synonymous variant.
Genome position (GRCh38, 1-based): chr19:38,452,993, C>A. VCF-style: chr19-38452993-C-A. GRCh37 (hg19) VCF-style: chr19-38943633-C-A.
Other names: c.1419C>A, p.Arg473= (NM_001042723.2).
Identifiers: ClinVar variation 705595 (VCV000705595.13), dbSNP rs200298392, ClinGen allele CA060991.